The following is an entry in ClinVar:

ClinVar aggregate classification (germline): Uncertain significance. Review status: criteria provided, multiple submitters, no conflicts (2 of 4 stars). 2 submissions from 2 submitters: Uncertain significance (2). Last evaluated 2025-09-28.

Conditions:
Inborn genetic diseases. Identifiers: MedGen C0950123, MeSH D030342.
Congenital myopathy with internal nuclei and atypical cores. Also called: Myopathy, centronuclear, 4. Identifiers: Orphanet 319160, MedGen C4707232, MONDO:0013890, OMIM 614807.

Allele frequency attached by ClinVar (database versions not stated): ExAC 0.00004.
gnomAD v4.1: 9 of 1,611,796 alleles (0.00056%); highest among the groups gnomAD compares: South Asian, 0.0022%; no homozygotes.

Submissions (2):

Labcorp Genetics (formerly Invitae), Labcorp
Classification: Uncertain significance for Congenital myopathy with internal nuclei and atypical cores. Last evaluated: 2025-09-28. Review status: criteria provided, single submitter. Criteria: Invitae Variant Classification Sherloc (09022015). Collection method: clinical testing. Allele origin: germline.
Comment: This sequence change replaces arginine, which is basic and polar, with tryptophan, which is neutral and slightly polar, at codon 246 of the CCDC78 protein (p.Arg246Trp). The frequency data for this variant in the population databases is considered unreliable, as metrics indicate poor data quality at this position in the gnomAD database. This variant has not been reported in the literature in individuals affected with CCDC78-related conditions. ClinVar contains an entry for this variant (Variation ID: 948844). Invitae Evidence Modeling of protein sequence and biophysical properties (such as structural, functional, and spatial information, amino acid conservation, physicochemical variation, residue mobility, and thermodynamic stability) indicates that this missense variant is not expected to disrupt CCDC78 protein function with a negative predictive value of 80%. Algorithms developed to predict the effect of sequence changes on RNA splicing suggest that this variant may disrupt the consensus splice site. In summary, the available evidence is currently insufficient to determine the role of this variant in disease. Therefore, it has been classified as a Variant of Uncertain Significance.

Ambry Genetics
Classification: Uncertain significance for Inborn genetic diseases. Last evaluated: 2021-09-16. Review status: criteria provided, single submitter. Criteria: Ambry Variant Classification Scheme 2023. Collection method: clinical testing. Allele origin: germline.

NM_001378030.1(CCDC78):c.736C>T (p.Arg246Trp)

Gene: CCDC78 (coiled-coil domain containing 78; minus strand). Cytogenetic location: 16p13.3.
Variant type: single nucleotide variant.
Coding change: c.736C>T on transcript NM_001378030.1 (MANE Select); coding-DNA position 736, C replaced by T.
Protein change: p.Arg246Trp; replaces arginine 246 with tryptophan.
Molecular consequence: missense variant. On other transcripts: non-coding transcript variant (5), intron variant (1).
Genome position (GRCh38, 1-based): chr16:724,710, G>A on the plus strand (C>T on the coding strand, the complement: CCDC78 is on the minus strand). VCF-style: chr16-724710-G-A. GRCh37 (hg19) VCF-style: chr16-774710-G-A.
Other names: c.736C>T, p.Arg246Trp (NM_001031737.3, NM_001378031.1); c.199-201C>T (NM_001378033.1); short protein forms R246W.
Identifiers: ClinVar variation 948844 (VCV000948844.10), dbSNP rs749095737, ClinGen allele CA7789444.